The following is an entry in ClinVar:

NM_015158.5(KANK1):c.1412G>A (p.Arg471His)

Gene: KANK1 (KN motif and ankyrin repeat domains 1; plus strand). Cytogenetic location: 9p24.3.
Variant type: single nucleotide variant.
Coding change: c.1412G>A on transcript NM_015158.5 (MANE Select); coding-DNA position 1412, G replaced by A.
Protein change: p.Arg471His; replaces arginine 471 with histidine.
Molecular consequence: missense variant. On other transcripts: non-coding transcript variant (1).
Genome position (GRCh38, 1-based): chr9:712,178, G>A. VCF-style: chr9-712178-G-A. GRCh37 (hg19) VCF-style: chr9-712178-G-A.
Other names: c.1412G>A (NM_015158.2); c.1412G>A, p.Arg471His (NM_001256876.3, NM_001256877.3, NM_001354331.2 and 2 more transcripts); c.938G>A, p.Arg313His (NM_001354333.2, NM_001354335.2, NM_001354336.2 and 9 more transcripts); short protein forms R313H, R471H.
Identifiers: ClinVar variation 1446212 (VCV001446212.10), dbSNP rs144629161, ClinGen allele CA4960219.

ClinVar aggregate classification (germline): Uncertain significance. Review status: criteria provided, multiple submitters, no conflicts (2 of 4 stars). 3 submissions from 3 submitters: Uncertain significance (3). Last evaluated 2022-07-19.

Conditions:
Cerebral palsy, spastic quadriplegic, 2 (CPSQ2). Identifiers: Orphanet 210141, MedGen C2752061, MONDO:0013033, OMIM 612900.

Allele frequency attached by ClinVar (database versions not stated): gnomAD 0.00007; ESP Exome Variant Server 0.00008; TOPMed 0.00009; 1000 Genomes Project 30x 0.00016; 1000 Genomes Project 0.00020.
gnomAD v4.1: 68 of 1,614,082 alleles (0.0042%); highest among the groups gnomAD compares: African/African-American, 0.02%; no homozygotes.

Submissions (3):

Labcorp Genetics (formerly Invitae), Labcorp
Classification: Uncertain significance. Last evaluated: 2022-07-19. Review status: criteria provided, single submitter. Criteria: Invitae Variant Classification Sherloc (09022015). Collection method: clinical testing. Allele origin: germline.
Comment: In summary, the available evidence is currently insufficient to determine the role of this variant in disease. Therefore, it has been classified as a Variant of Uncertain Significance. Algorithms developed to predict the effect of missense changes on protein structure and function (SIFT, PolyPhen-2, Align-GVGD) all suggest that this variant is likely to be tolerated. ClinVar contains an entry for this variant (Variation ID: 1446212). This variant has not been reported in the literature in individuals affected with KANK1-related conditions. This variant is present in population databases (rs144629161, gnomAD 0.01%). This sequence change replaces arginine, which is basic and polar, with histidine, which is basic and polar, at codon 471 of the KANK1 protein (p.Arg471His).

Fulgent Genetics
Classification: Uncertain significance for Cerebral palsy, spastic quadriplegic, 2. Last evaluated: 2021-12-28. Review status: criteria provided, single submitter. Criteria: ACMG Guidelines, 2015. Collection method: clinical testing. Allele origin: unknown.

Ambry Genetics
Classification: Uncertain significance. Last evaluated: 2021-10-22. Review status: criteria provided, single submitter. Criteria: Ambry Variant Classification Scheme 2023. Collection method: clinical testing. Allele origin: germline.